The following is an entry in ClinVar:

NM_001182.5(ALDH7A1):c.1565+167del

Gene: ALDH7A1 (aldehyde dehydrogenase 7 family member A1; minus strand). Cytogenetic location: 5q23.2.
Variant type: Deletion.
Coding change: c.1565+167del on transcript NM_001182.5 (MANE Select); 167 bases into the intron after coding-DNA position 1565, one base deleted (C; older notation c.1565+167delC).
Molecular consequence: intron variant.
Genome position (GRCh38, 1-based): chr5:126,546,157, G deleted on the plus strand (C on the coding strand, the reverse complement: ALDH7A1 is on the minus strand); the first of 2 consecutive G bases (chr5:126,546,157-126,546,158); deleting either gives the same sequence. VCF-style (leftmost placement, unchanged base first): chr5-126546156-AG-A. GRCh37 (hg19) VCF-style: chr5-125881848-AG-A.
Other names: c.1373+167del (NM_001202404.2); c.1481+167del (NM_001201377.2).
Identifiers: ClinVar variation 677428 (VCV000677428.1), dbSNP rs149432753, ClinGen allele CA126882996.

ClinVar aggregate classification (germline): Likely benign (1 of 4 stars; one submission).

Submission:

GeneDx
Classification: Likely benign. Last evaluated: 2018-06-19. Review status: criteria provided, single submitter. Criteria: GeneDx Variant Classification (06012015). Collection method: clinical testing. Allele origin: germline. Affected: yes.
Comment: This variant is considered likely benign or benign based on one or more of the following criteria: it is a conservative change, it occurs at a poorly conserved position in the protein, it is predicted to be benign by multiple in silico algorithms, and/or has population frequency not consistent with disease.